The following is an entry in ClinVar:

NM_001375808.2(LPIN2):c.1168+1G>C

Gene: LPIN2 (lipin 2; minus strand). Cytogenetic location: 18p11.31.
Variant type: single nucleotide variant.
Coding change: c.1168+1G>C on transcript NM_001375808.2 (MANE Select); the canonical splice donor site of the intron after coding-DNA position 1168, G replaced by C.
Molecular consequence: splice donor variant.
Genome position (GRCh38, 1-based): chr18:2,937,691, C>G on the plus strand (G>C on the coding strand, the complement: LPIN2 is on the minus strand). VCF-style: chr18-2937691-C-G. GRCh37 (hg19) VCF-style: chr18-2937689-C-G.
Other names: c.1168+1G>C (NM_014646.2, NM_001375809.1).
Identifiers: ClinVar variation 4702057 (VCV004702057.1).

ClinVar aggregate classification (germline): Likely pathogenic (1 of 4 stars; one submission).

Conditions:
Majeed syndrome (MJDS). Also called: LPIN2-Related Majeed Syndrome; CHRONIC RECURRENT MULTIFOCAL OSTEOMYELITIS 1, WITH CONGENITAL DYSERYTHROPOIETIC ANEMIA, WITH OR WITHOUT NEUTROPHILIC DERMATOSIS. Identifiers: Orphanet 77297, MedGen C1864997, MONDO:0012316, OMIM 609628.

gnomAD v4.1: 1 of 1,613,540 alleles (0.000062%); highest among the groups gnomAD compares: Non-Finnish European, 0.000085%; no homozygotes.

Submission:

Labcorp Genetics (formerly Invitae), Labcorp
Classification: Likely pathogenic for Majeed syndrome. Last evaluated: 2026-01-20. Review status: criteria provided, single submitter. Criteria: Invitae Variant Classification Sherloc (09022015). Collection method: clinical testing. Allele origin: germline.
Comment: This sequence change affects a donor splice site in intron 7 of the LPIN2 gene. It is expected to disrupt RNA splicing. Variants that disrupt the donor or acceptor splice site typically lead to a loss of protein function (PMID: 16199547), and loss-of-function variants in LPIN2 are known to be pathogenic (PMID: 15994876, 23087183). This variant is not present in population databases (gnomAD no frequency). This variant has not been reported in the literature in individuals affected with LPIN2-related conditions. Algorithms developed to predict the effect of sequence changes on RNA splicing suggest that this variant may disrupt the consensus splice site. In summary, the currently available evidence indicates that the variant is pathogenic, but additional data are needed to prove that conclusively. Therefore, this variant has been classified as Likely Pathogenic.

Literature cited by the submitters: PubMed 16199547; PubMed 15994876; PubMed 23087183.